The following is an entry in ClinVar:

NM_000321.3(RB1):c.2185A>G (p.Lys729Glu)

Gene: RB1 (RB transcriptional corepressor 1; plus strand). Cytogenetic location: 13q14.2.
Variant type: single nucleotide variant.
Coding change: c.2185A>G on transcript NM_000321.3 (MANE Select); coding-DNA position 2185, A replaced by G.
Protein change: p.Lys729Glu; replaces lysine 729 with glutamic acid.
Molecular consequence: missense variant.
Genome position (GRCh38, 1-based): chr13:48,463,809, A>G. VCF-style: chr13-48463809-A-G. GRCh37 (hg19) VCF-style: chr13-49037945-A-G.
Other names: c.2185A>G (NM_000321.2); short protein forms K729E.
Identifiers: ClinVar variation 1477773 (VCV001477773.8), dbSNP rs2138342593, ClinGen allele CA388167182.

ClinVar aggregate classification (germline): Uncertain significance. Review status: criteria provided, multiple submitters, no conflicts (2 of 4 stars). 2 submissions from 2 submitters: Uncertain significance (2). Last evaluated 2026-08-07.

Conditions:
Hereditary cancer-predisposing syndrome. Also called: Hereditary Cancer Syndrome; Tumor predisposition; Neoplastic Syndromes, Hereditary; Hereditary neoplastic syndrome. Identifiers: Orphanet 140162, MedGen C0027672, MeSH D009386, MONDO:0015356.
Retinoblastoma (RB1). Also called: RETINOBLASTOMA, SOMATIC. Identifiers: Orphanet 790, MedGen C0035335, MeSH D012175, MONDO:0008380, OMIM 180200, HP:0009919. Disease mechanism: loss of function. Inheritance: Both sporadic and heritable forms are tested..

Submissions (2):

Ambry Genetics
Classification: Uncertain significance for Hereditary cancer-predisposing syndrome. Last evaluated: 2026-08-07. Review status: criteria provided, single submitter. Criteria: Ambry Variant Classification Scheme 2023. Collection method: clinical testing. Allele origin: germline.
Comment: The p.K729E variant (also known as c.2185A>G), located in coding exon 21 of the RB1 gene, results from an A to G substitution at nucleotide position 2185. The lysine at codon 729 is replaced by glutamic acid, an amino acid with similar properties. This amino acid position is highly conserved in available vertebrate species. In addition, this alteration is predicted to be deleterious by in silico analysis. Based on the available evidence, the clinical significance of this variant remains unclear.

Labcorp Genetics (formerly Invitae), Labcorp
Classification: Uncertain significance for Retinoblastoma. Last evaluated: 2021-11-12. Review status: criteria provided, single submitter. Criteria: Invitae Variant Classification Sherloc (09022015). Collection method: clinical testing. Allele origin: germline.
Comment: In summary, the available evidence is currently insufficient to determine the role of this variant in disease. Therefore, it has been classified as a Variant of Uncertain Significance. Algorithms developed to predict the effect of missense changes on protein structure and function (SIFT, PolyPhen-2, Align-GVGD) all suggest that this variant is likely to be disruptive. This variant has not been reported in the literature in individuals affected with RB1-related conditions. This variant is not present in population databases (gnomAD no frequency). This sequence change replaces lysine, which is basic and polar, with glutamic acid, which is acidic and polar, at codon 729 of the RB1 protein (p.Lys729Glu).